The following is an entry in ClinVar:

NM_022168.4(IFIH1):c.2862T>G (p.Tyr954Ter)

Gene: IFIH1 (interferon induced with helicase C domain 1; minus strand). Cytogenetic location: 2q24.2.
Variant type: single nucleotide variant.
Coding change: c.2862T>G on transcript NM_022168.4 (MANE Select); coding-DNA position 2862, T replaced by G.
Protein change: p.Tyr954Ter; replaces tyrosine 954 with a stop codon.
Molecular consequence: nonsense.
Genome position (GRCh38, 1-based): chr2:162,267,515, A>C on the plus strand (T>G on the coding strand, the complement: IFIH1 is on the minus strand). VCF-style: chr2-162267515-A-C. GRCh37 (hg19) VCF-style: chr2-163124025-A-C.
Other names: short protein forms Y954*.
Identifiers: ClinVar variation 1449927 (VCV001449927.6), dbSNP rs750063177, ClinGen allele CA1934051.

ClinVar aggregate classification (germline): Uncertain significance (1 of 4 stars; one submission).

Conditions:
Singleton-Merten syndrome 1 (SGMRT1). Also called: Widened medullary cavities of bone, aortic calcification, abnormal dentition, and muscular weakness; Syndrome of widened medullary cavities of the metacarpals and phalanges, aortic calcification and abnormal dentition. Identifiers: Orphanet 85191, MedGen C4225427, MONDO:0024535, OMIM 182250.
Aicardi-Goutieres syndrome 7 (AGS7). Identifiers: Orphanet 51, MedGen C3888244, MONDO:0014367, OMIM 615846.

Allele frequency attached by ClinVar (database versions not stated): gnomAD 0.00001; ExAC 0.00006.
gnomAD v4.1: 59 of 1,613,882 alleles (0.0037%); highest among the groups gnomAD compares: South Asian, 0.063%; 1 homozygote.

Submission:

Labcorp Genetics (formerly Invitae), Labcorp
Classification: Uncertain significance for Aicardi-Goutieres syndrome 7; Singleton-Merten syndrome 1. Last evaluated: 2025-01-19. Review status: criteria provided, single submitter. Criteria: Invitae Variant Classification Sherloc (09022015). Collection method: clinical testing. Allele origin: germline.
Comment: This sequence change creates a premature translational stop signal (p.Tyr954*) in the IFIH1 gene. While this is not anticipated to result in nonsense mediated decay, it is expected to disrupt the last 72 amino acid(s) of the IFIH1 protein. This variant is present in population databases (rs750063177, gnomAD 0.05%), and has an allele count higher than expected for a pathogenic variant. This variant has not been reported in the literature in individuals affected with IFIH1-related conditions. ClinVar contains an entry for this variant (Variation ID: 1449927). Experimental studies and prediction algorithms are not available or were not evaluated, and the functional significance of this variant is currently unknown. In summary, the available evidence is currently insufficient to determine the role of this variant in disease. Therefore, it has been classified as a Variant of Uncertain Significance.